The following is an entry in ClinVar:

ClinVar aggregate classification (germline): Uncertain significance. Review status: criteria provided, multiple submitters, no conflicts (2 of 4 stars). 2 submissions from 2 submitters: Uncertain significance (2). Last evaluated 2025-09-09.

Conditions:
Cardiac arrhythmia. Also called: Arrhythmia; Cardiac rhythm disease. Identifiers: MedGen C0003811, MONDO:0007263, HP:0011675.
Long QT syndrome (LQTS). Identifiers: MedGen C0023976, MeSH D008133, MONDO:0002442. Disease mechanism: loss of function. Inheritance: Various modes of inheritance.

Allele frequency attached by ClinVar (database versions not stated): gnomAD 0.00001 and 0.00003; gnomAD exomes 0.00001; TOPMed 0.00001; ExAC 0.00002; 1000 Genomes Project 30x 0.00016; 1000 Genomes Project 0.00020.

Submissions (2):

Color Diagnostics, LLC DBA Color Health
Classification: Uncertain significance for Cardiac arrhythmia. Last evaluated: 2025-09-09. Review status: criteria provided, single submitter. Criteria: ACMG Guidelines, 2015. Collection method: clinical testing. Allele origin: germline.
Comment: This missense variant replaces arginine with glutamine at codon 679 of the KCNH2 protein. Computational prediction suggests that this variant may have deleterious impact on protein structure and function. To our knowledge, functional studies have not been reported for this variant. This variant has not been reported in individuals affected with KCNH2-related disorders in the literature. This variant has been identified in 3/282662 chromosomes in the general population by the Genome Aggregation Database (gnomAD). The available evidence is insufficient to determine the role of this variant in disease conclusively. Therefore, this variant is classified as a Variant of Uncertain Significance.

Labcorp Genetics (formerly Invitae), Labcorp
Classification: Uncertain significance for Long QT syndrome. Last evaluated: 2024-10-27. Review status: criteria provided, single submitter. Criteria: Invitae Variant Classification Sherloc (09022015). Collection method: clinical testing. Allele origin: germline.
Comment: This sequence change replaces arginine, which is basic and polar, with glutamine, which is neutral and polar, at codon 679 of the KCNH2 protein (p.Arg679Gln). This variant is present in population databases (rs567628192, gnomAD 0.003%). This variant has not been reported in the literature in individuals affected with KCNH2-related conditions. ClinVar contains an entry for this variant (Variation ID: 922598). An algorithm developed to predict the effect of missense changes on protein structure and function (PolyPhen-2) suggests that this variant is likely to be disruptive. In summary, the available evidence is currently insufficient to determine the role of this variant in disease. Therefore, it has been classified as a Variant of Uncertain Significance.

NM_000238.4(KCNH2):c.2036G>A (p.Arg679Gln)

Gene: KCNH2 (potassium voltage-gated channel subfamily H member 2; minus strand). Cytogenetic location: 7q36.1.
Variant type: single nucleotide variant.
Coding change: c.2036G>A on transcript NM_000238.4 (MANE Select); coding-DNA position 2036, G replaced by A.
Protein change: p.Arg679Gln; replaces arginine 679 with glutamine.
Molecular consequence: missense variant.
Genome position (GRCh38, 1-based): chr7:150,951,030, C>T on the plus strand (G>A on the coding strand, the complement: KCNH2 is on the minus strand). VCF-style: chr7-150951030-C-T. GRCh37 (hg19) VCF-style: chr7-150648118-C-T.
Other names: c.1016G>A, p.Arg339Gln (NM_001204798.2, NM_172057.3); c.1748G>A, p.Arg583Gln (NM_001406753.1, NM_001406756.1); c.1859G>A, p.Arg620Gln (NM_001406755.1); c.1736G>A, p.Arg579Gln (NM_001406757.1); c.2036G>A, p.Arg679Gln (NM_172056.3); short protein forms R339Q, R679Q, R579Q, R583Q, R620Q.
Identifiers: ClinVar variation 922598 (VCV000922598.9), dbSNP rs567628192, ClinGen allele CA030473.
Genomic context (GRCh38, chr7:150,951,030, plus strand): 5'-TCCTCGAGGCGCTGGCGCAGGGGATTGGGGATCTGGTGGAAGCGGATGAACTCCCGCACC[C>T]GCAGCATCTGTGTGTGGTAGCGGGCTGTGCCCGAGTACAGCCGCTGGATGATGGCCGACA-3'
Protein context (NP_000229.1, residues 669-689): GTARYHTQML[Arg679Gln]VREFIRFHQI